The following is an entry in ClinVar:

ClinVar aggregate classification (germline): Likely benign (0 of 4 stars; one submission).

Conditions:
SDHC-related disorder. Also called: SDHC-related condition.

Allele frequency attached by ClinVar (database versions not stated): TOPMed below 0.00001; ExAC 0.00001.
gnomAD v4.1: 1 of 1,611,774 alleles (0.000062%); highest among the groups gnomAD compares: Non-Finnish European, 0.000085%; no homozygotes.

Submission:

PreventionGenetics, part of Exact Sciences
Classification: Likely benign for SDHC-related condition. Last evaluated: 2021-05-12. Review status: no assertion criteria provided. Collection method: clinical testing. Allele origin: germline.
Comment: This variant is classified as likely benign based on ACMG/AMP sequence variant interpretation guidelines (Richards et al. 2015 PMID: 25741868, with internal and published modifications).

NM_003001.5(SDHC):c.*50A>G

Gene: SDHC (succinate dehydrogenase complex subunit C; plus strand). Cytogenetic location: 1q23.3.
Variant type: single nucleotide variant.
Coding change: c.*50A>G on transcript NM_003001.5 (MANE Select); 50 bases downstream of the stop codon, A replaced by G.
Molecular consequence: 3 prime UTR variant. On other transcripts: synonymous variant (3), non-coding transcript variant (1).
Genome position (GRCh38, 1-based): chr1:161,362,483, A>G. VCF-style: chr1-161362483-A-G. GRCh37 (hg19) VCF-style: chr1-161332273-A-G.
Other names: c.396A>G, p.Pro132= (NM_001035511.3); c.*50A>G (NM_001035512.3, NM_001035513.3, NM_001407115.1 and 5 more transcripts); c.294A>G, p.Pro98= (NM_001278172.3); c.339A>G, p.Pro113= (NM_001407121.1).
Identifiers: ClinVar variation 3029816 (VCV003029816.2), dbSNP rs745526818, ClinGen allele CA047838.
Genomic context (GRCh38, chr1:161,362,483, plus strand): 5'-CAGCCATGTGAAGAAAGGAGGCTCCCAGCATCATCTTCCTACACATTATTACATTCACCC[A>G]TCTTTCTGTTTGTCATTCTTATCTCCAGCCTGGGAAAAGTTCTCCTTATTTGTTTAGATC-3'